The following is an entry in ClinVar:

NM_001005517.1(OR5K4):c.172C>G (p.Pro58Ala)

Gene: OR5K4 (olfactory receptor family 5 subfamily K member 4; plus strand). Cytogenetic location: 3q11.2.
Variant type: single nucleotide variant.
Coding change: c.172C>G on transcript NM_001005517.1 (MANE Select); coding-DNA position 172, C replaced by G.
Protein change: p.Pro58Ala; replaces proline 58 with alanine.
Molecular consequence: missense variant.
Genome position (GRCh38, 1-based): chr3:98,354,025, C>G. VCF-style: chr3-98354025-C-G. GRCh37 (hg19) VCF-style: chr3-98072869-C-G.
Other names: short protein forms P58A.
Identifiers: ClinVar variation 4861420 (VCV004861420.1).

ClinVar aggregate classification (germline): Uncertain significance (1 of 4 stars; one submission).

Submission:

Ambry Genetics
Classification: Uncertain significance. Last evaluated: 2026-03-23. Review status: criteria provided, single submitter. Criteria: Ambry Variant Classification Scheme 2023. Collection method: clinical testing. Allele origin: germline.
Comment: The c.172C>G (p.P58A) alteration is located in exon 1 (coding exon 1) of the OR5K4 gene. This alteration results from a C to G substitution at nucleotide position 172, causing the proline (P) at amino acid position 58 to be replaced by an alanine (A). Based on data from gnomAD, the G allele has an overall frequency of 0.001% (3/282622) total alleles studied. The highest observed frequency was 0.004% (1/24944) of African alleles. Based on insufficient or conflicting evidence, the clinical significance of this alteration remains unclear.